The following is an entry in ClinVar:

ClinVar aggregate classification (germline): Uncertain significance (1 of 4 stars; one submission).

Conditions:
PURA-related severe neonatal hypotonia-seizures-encephalopathy syndrome (NEDRIHF). Also called: NEURODEVELOPMENTAL DISORDER WITH NEONATAL RESPIRATORY INSUFFICIENCY, HYPOTONIA, AND FEEDING DIFFICULTIES; PURA-Related Neurodevelopmental Disorders. Identifiers: Orphanet 438213, Orphanet 438216, MedGen C4015357, MONDO:1060108, OMIM 616158, MONDO:0018580.

Submission:

Labcorp Genetics (formerly Invitae), Labcorp
Classification: Uncertain significance for PURA-related severe neonatal hypotonia-seizures-encephalopathy syndrome. Last evaluated: 2025-03-30. Review status: criteria provided, single submitter. Criteria: Invitae Variant Classification Sherloc (09022015). Collection method: clinical testing. Allele origin: germline.
Comment: This variant, c.103_126del, results in the deletion of 8 amino acid(s) of the PURA protein (p.Gly35_Gly42del), but otherwise preserves the integrity of the reading frame. The frequency data for this variant in the population databases is considered unreliable, as metrics indicate insufficient coverage at this position in the gnomAD database. This variant has not been reported in the literature in individuals affected with PURA-related conditions. Experimental studies and prediction algorithms are not available or were not evaluated, and the functional significance of this variant is currently unknown. In summary, the available evidence is currently insufficient to determine the role of this variant in disease. Therefore, it has been classified as a Variant of Uncertain Significance.

NM_005859.5(PURA):c.103_126del (p.Gly35_Gly42del)

Gene: PURA (purine rich element binding protein A; plus strand). Cytogenetic location: 5q31.3.
Variant type: Deletion.
Coding change: c.103_126del on transcript NM_005859.5 (MANE Select); coding-DNA positions 103 to 126, 24 bases deleted (GGTGGCGGCGGGGGCGGCGGCGGC).
Protein change: p.Gly35_Gly42del.
Genome position (GRCh38, 1-based): chr5:140,114,284-140,114,307, GGTGGCGGCGGGGGCGGCGGCGGC deleted. VCF-style (leftmost placement, unchanged base first): chr5-140114283-TGGTGGCGGCGGGGGCGGCGGCGGC-T. GRCh37 (hg19) VCF-style: chr5-139493868-TGGTGGCGGCGGGGGCGGCGGCGGC-T.
Identifiers: ClinVar variation 3724747 (VCV003724747.2).